The following is an entry in ClinVar:

NM_000795.4(DRD2):c.153C>A (p.Gly51=)

Gene: DRD2 (dopamine receptor D2; minus strand). Cytogenetic location: 11q23.2.
Variant type: single nucleotide variant.
Coding change: c.153C>A on transcript NM_000795.4 (MANE Select); coding-DNA position 153, C replaced by A.
Protein change: p.Gly51=; no amino-acid change (glycine 51 retained).
Molecular consequence: synonymous variant.
Genome position (GRCh38, 1-based): chr11:113,424,499, G>T on the plus strand (C>A on the coding strand, the complement: DRD2 is on the minus strand). VCF-style: chr11-113424499-G-T. GRCh37 (hg19) VCF-style: chr11-113295221-G-T.
Other names: c.153C>A, p.Gly51= (NM_016574.4).
Identifiers: ClinVar variation 526229 (VCV000526229.35), dbSNP rs80030508, ClinGen allele CA6281479.

ClinVar aggregate classification (germline): Benign/Likely benign. Review status: criteria provided, multiple submitters, no conflicts (2 of 4 stars). 3 submissions from 3 submitters: Benign (1); Likely benign (2). Last evaluated 2026-09-02.

Conditions:
Dystonic disorder. Also called: Dystonia. Identifiers: MedGen C0013421, MONDO:0003441, HP:0001332.
DRD2-related condition.

Allele frequency attached by ClinVar (database versions not stated): 1000 Genomes Project 0.00040; ESP Exome Variant Server 0.00046; 1000 Genomes Project 30x 0.00047; TOPMed 0.00054; gnomAD 0.00057 and 0.00060; gnomAD exomes 0.00067 and 0.00087; ExAC 0.00075.
gnomAD v4.1: 1,352 of 1,614,236 alleles (0.084%); highest among the groups gnomAD compares: Non-Finnish European, 0.093%; 1 homozygote.

Submissions (3):

PreventionGenetics, part of Exact Sciences
Classification: Likely benign for DRD2-related condition. Last evaluated: 2026-09-02. Review status: criteria provided, single submitter. Criteria: ACMG Guidelines, 2015. Collection method: clinical testing. Allele origin: germline.
Comment: This variant is classified as likely benign based on ACMG/AMP sequence variant interpretation guidelines (Richards et al. 2015 PMID: 25741868, with internal and published modifications).

Labcorp Genetics (formerly Invitae), Labcorp
Classification: Benign for Dystonic disorder. Last evaluated: 2025-12-31. Review status: criteria provided, single submitter. Criteria: Invitae Variant Classification Sherloc (09022015). Collection method: clinical testing. Allele origin: germline.

CeGaT Center for Human Genetics Tuebingen
Classification: Likely benign. Last evaluated: 2025-07-01. Review status: criteria provided, single submitter. Criteria: CeGaT Center For Human Genetics Tuebingen Variant Classification Criteria Version 2. Collection method: clinical testing. Allele origin: germline. Affected: yes. Observed: 2 variant alleles.
Comment: DRD2: BP4, BP7